The following is an entry in ClinVar:

ClinVar aggregate classification (germline): Likely benign (0 of 4 stars; one submission).

Conditions:
HAND2-related disorder. Also called: HAND2-related condition.

Allele frequency attached by ClinVar (database versions not stated): gnomAD 0.00003; ExAC 0.00014; 1000 Genomes Project 30x 0.00016; 1000 Genomes Project 0.00060.

Submission:

PreventionGenetics, part of Exact Sciences
Classification: Likely benign for HAND2-related condition. Last evaluated: 2019-07-13. Review status: no assertion criteria provided. Collection method: clinical testing. Allele origin: germline.
Comment: This variant is classified as likely benign based on ACMG/AMP sequence variant interpretation guidelines (Richards et al. 2015 PMID: 25741868, with internal and published modifications).

NM_021973.3(HAND2):c.252G>A (p.Pro84=)

Genes: HAND2 (heart and neural crest derivatives expressed 2; minus strand), HAND2-AS1 (HAND2 antisense RNA 1; plus strand). Cytogenetic location: 4q34.1.
Variant type: single nucleotide variant.
Coding change: c.252G>A on transcript NM_021973.3 (MANE Select); coding-DNA position 252, G replaced by A.
Protein change: p.Pro84=; no amino-acid change (proline 84 retained).
Molecular consequence: synonymous variant.
Genome position (GRCh38, 1-based): chr4:173,529,038, C>T on the plus strand (G>A on the coding strand, the complement: HAND2 is on the minus strand). VCF-style: chr4-173529038-C-T. GRCh37 (hg19) VCF-style: chr4-174450189-C-T.
Identifiers: ClinVar variation 3049302 (VCV003049302.2), dbSNP rs562712418, ClinGen allele CA3141334.